The following is an entry in ClinVar:

NM_002335.4(LRP5):c.3257T>G (p.Met1086Arg)

Gene: LRP5 (LDL receptor related protein 5; plus strand). Cytogenetic location: 11q13.2.
Variant type: single nucleotide variant.
Coding change: c.3257T>G on transcript NM_002335.4 (MANE Select); coding-DNA position 3257, T replaced by G.
Protein change: p.Met1086Arg; replaces methionine 1086 with arginine.
Molecular consequence: missense variant.
Genome position (GRCh38, 1-based): chr11:68,425,122, T>G. VCF-style: chr11-68425122-T-G. GRCh37 (hg19) VCF-style: chr11-68192590-T-G.
Other names: c.1514T>G, p.Met505Arg (NM_001291902.2); short protein forms M1086R, M505R.
Identifiers: ClinVar variation 2815597 (VCV002815597.3), dbSNP rs751848282, ClinGen allele CA381621314.
Genomic context (GRCh38, chr11:68,425,122, plus strand): 5'-CCATCCCCACACCCGTCCTTCACCCGCCACCCTCCCGCAGGTACCTGTACTTCACCAACA[T>G]GCAGGACCGGGCAGCCAAGATCGAACGCGCAGCCCTGGACGGCACCGAGCGCGAGGTCCT-3'
Protein context (NP_002326.2, residues 1076-1096): AERGYLYFTN[Met1086Arg]QDRAAKIERA

ClinVar aggregate classification (germline): Uncertain significance (1 of 4 stars; one submission).

Submission:

Labcorp Genetics (formerly Invitae), Labcorp
Classification: Uncertain significance. Last evaluated: 2022-11-23. Review status: criteria provided, single submitter. Criteria: Invitae Variant Classification Sherloc (09022015). Collection method: clinical testing. Allele origin: germline.
Comment: In summary, the available evidence is currently insufficient to determine the role of this variant in disease. Therefore, it has been classified as a Variant of Uncertain Significance. Algorithms developed to predict the effect of sequence changes on RNA splicing suggest that this variant may create or strengthen a splice site. Advanced modeling of protein sequence and biophysical properties (such as structural, functional, and spatial information, amino acid conservation, physicochemical variation, residue mobility, and thermodynamic stability) performed at Invitae indicates that this missense variant is not expected to disrupt LRP5 protein function. This variant has not been reported in the literature in individuals affected with LRP5-related conditions. This variant is not present in population databases (gnomAD no frequency). This sequence change replaces methionine, which is neutral and non-polar, with arginine, which is basic and polar, at codon 1086 of the LRP5 protein (p.Met1086Arg).